The following is an entry in ClinVar:

NM_001164508.2(NEB):c.21673A>T (p.Thr7225Ser)

Genes: NEB (nebulin; minus strand), RIF1 (replication timing regulatory factor 1; plus strand). Cytogenetic location: 2q23.3.
Variant type: single nucleotide variant.
Coding change: c.21673A>T on transcript NM_001164508.2 (MANE Select); coding-DNA position 21673, A replaced by T.
Protein change: p.Thr7225Ser; replaces threonine 7225 with serine.
Molecular consequence: missense variant.
Genome position (GRCh38, 1-based): chr2:151,529,272, T>A on the plus strand (A>T on the coding strand, the complement: NEB is on the minus strand). VCF-style: chr2-151529272-T-A. GRCh37 (hg19) VCF-style: chr2-152385786-T-A.
Other names: c.16570A>T (NM_004543.4); c.21673A>T, p.Thr7225Ser (NM_001164507.2); c.21778A>T, p.Thr7260Ser (NM_001271208.2); c.16570A>T, p.Thr5524Ser (NM_004543.5); short protein forms T7260S, T5524S, T7225S.
Identifiers: ClinVar variation 465554 (VCV000465554.55), dbSNP rs187977960, ClinGen allele CA1906911.

ClinVar aggregate classification (germline): Conflicting classifications of pathogenicity. Review status: criteria provided, conflicting classifications (1 of 4 stars). 4 submissions from 4 submitters: Uncertain significance (1); Likely benign (2). 1 of the submissions does not count toward it. Last evaluated 2026-01-13.

Conditions:
Inborn genetic diseases. Identifiers: MedGen C0950123, MeSH D030342.
NEB-related disorder. Also called: NEB-related condition; NEB-Related Disorders.
Nemaline myopathy 2 (NEM2). Also called: Nemaline myopathy 2, autosomal recessive. Identifiers: MedGen C1850569, MONDO:0009725, OMIM 256030.

Allele frequency attached by ClinVar (database versions not stated): 1000 Genomes Project 0.00060; ESP Exome Variant Server 0.00066; 1000 Genomes Project 30x 0.00078; gnomAD 0.00098 and 0.00107; TOPMed 0.00118.
gnomAD v4.1: 277 of 1,613,642 alleles (0.017%); highest among the groups gnomAD compares: African/African-American, 0.34%; no homozygotes.

Submissions (4):

Labcorp Genetics (formerly Invitae), Labcorp
Classification: Likely benign for Nemaline myopathy 2. Last evaluated: 2026-01-13. Review status: criteria provided, single submitter. Criteria: Invitae Variant Classification Sherloc (09022015). Collection method: clinical testing. Allele origin: germline.

Ambry Genetics
Classification: Uncertain significance for Inborn genetic diseases. Last evaluated: 2023-03-20. Review status: criteria provided, single submitter. Criteria: Ambry Variant Classification Scheme 2023. Collection method: clinical testing. Allele origin: germline.

GeneDx
Classification: Likely benign. Last evaluated: 2020-07-13. Review status: criteria provided, single submitter. Criteria: GeneDx Variant Classification Process June 2021. Collection method: clinical testing. Allele origin: germline. Affected: yes.

PreventionGenetics, part of Exact Sciences
Classification: Likely benign for NEB-related condition. Last evaluated: 2022-10-11. Review status: no assertion criteria provided. Collection method: clinical testing. Allele origin: germline. Not counted in ClinVar's aggregate classification.
Comment: This variant is classified as likely benign based on ACMG/AMP sequence variant interpretation guidelines (Richards et al. 2015 PMID: 25741868, with internal and published modifications).